The following is an entry in ClinVar:

ClinVar aggregate classification (germline): Uncertain significance (1 of 4 stars; one submission).

Submission:

GeneDx
Classification: Uncertain significance. Last evaluated: 2024-01-19. Review status: criteria provided, single submitter. Criteria: GeneDx Variant Classification Process June 2021. Collection method: clinical testing. Allele origin: germline. Affected: yes.
Comment: Not observed at significant frequency in large population cohorts (gnomAD); In silico analysis supports that this missense variant does not alter protein structure/function; Has not been previously published as pathogenic or benign to our knowledge

NM_017654.4(SAMD9):c.1145C>T (p.Ala382Val)

Gene: SAMD9 (sterile alpha motif domain containing 9; minus strand). Cytogenetic location: 7q21.2.
Variant type: single nucleotide variant.
Coding change: c.1145C>T on transcript NM_017654.4 (MANE Select); coding-DNA position 1145, C replaced by T.
Protein change: p.Ala382Val; replaces alanine 382 with valine.
Molecular consequence: missense variant.
Genome position (GRCh38, 1-based): chr7:93,104,953, G>A on the plus strand (C>T on the coding strand, the complement: SAMD9 is on the minus strand). VCF-style: chr7-93104953-G-A. GRCh37 (hg19) VCF-style: chr7-92734266-G-A.
Other names: c.1145C>T, p.Ala382Val (NM_001193307.2); short protein forms A382V.
Identifiers: ClinVar variation 3368152 (VCV003368152.1).